The following is an entry in ClinVar:

NM_002226.5(JAG2):c.2365+6T>C

Gene: JAG2 (jagged canonical Notch ligand 2; minus strand). Cytogenetic location: 14q32.33.
Variant type: single nucleotide variant.
Coding change: c.2365+6T>C on transcript NM_002226.5 (MANE Select); 6 bases into the intron after coding-DNA position 2365, T replaced by C.
Molecular consequence: intron variant.
Genome position (GRCh38, 1-based): chr14:105,147,766, A>G on the plus strand (T>C on the coding strand, the complement: JAG2 is on the minus strand). VCF-style: chr14-105147766-A-G. GRCh37 (hg19) VCF-style: chr14-105614103-A-G.
Other names: NC_000014.8:g.105614103A>G; p.?; c.2251+6T>C (NM_145159.3).
Identifiers: ClinVar variation 3044802 (VCV003044802.4), dbSNP rs112948395, ClinGen allele CA7385651.
Genomic context (GRCh38, chr14:105,147,766, plus strand): 5'-GTCGGGGGCAGGGATGTCATCTGGGTGGAGGAAAGCGGCCCCCGCCCACACCCCTCCCAC[A>G]CTCACTGTGAGTGCAAGTACGACCCTCCCAGCCGTCCCGGCAGATGCAGGAGAAGGAGGC-3'

ClinVar aggregate classification (germline): Benign. Review status: criteria provided, single submitter (1 of 4 stars). 2 submissions from 2 submitters: Benign (1). 1 of the submissions does not count toward it. Last evaluated 2024-04-21.

Conditions:
JAG2-related disorder. Also called: JAG2-related condition.

Allele frequency attached by ClinVar (database versions not stated): gnomAD exomes 0.00230; ExAC 0.01431; gnomAD 0.02575; 1000 Genomes Project 0.02576; ESP Exome Variant Server 0.02589; TOPMed 0.02880; 1000 Genomes Project 30x 0.02889.
gnomAD v4.1: 7,272 of 1,530,688 alleles (0.48%); highest among the groups gnomAD compares: African/African-American, 8.9%; 309 homozygotes.

Submissions (6):

Mayo Clinic Laboratories, Mayo Clinic
Classification: Benign. Last evaluated: 2024-04-21. Review status: criteria provided, single submitter. Criteria: ACMG Guidelines, 2015. Collection method: clinical testing. Allele origin: germline. Observed: 7 variant alleles.

PreventionGenetics, part of Exact Sciences
Classification: Benign for JAG2-related condition. Last evaluated: 2019-02-22. Review status: no assertion criteria provided. Collection method: clinical testing. Allele origin: germline. Not counted in ClinVar's aggregate classification.
Comment: This variant is classified as benign based on ACMG/AMP sequence variant interpretation guidelines (Richards et al. 2015 PMID: 25741868, with internal and published modifications).

Dr. Peter K. Rogan Lab, Western University
No classification provided (evidence only). Condition: Lung cancer. Review status: no classification provided. Collection method: in vitro. Allele origin: not applicable. Functional consequence: retained intron. Not counted in ClinVar's aggregate classification.

Dr. Peter K. Rogan Lab, Western University
No classification provided (evidence only). Condition: Lung cancer. Review status: no classification provided. Collection method: in vitro. Allele origin: not applicable. Functional consequence: retained intron. Not counted in ClinVar's aggregate classification.

Dr. Peter K. Rogan Lab, Western University
No classification provided (evidence only). Condition: Gastric cancer. Review status: no classification provided. Collection method: in vitro. Allele origin: not applicable. Functional consequence: retained intron. Not counted in ClinVar's aggregate classification.

Dr. Peter K. Rogan Lab, Western University
No classification provided (evidence only). Condition: Malignant tumor of esophagus. Review status: no classification provided. Collection method: in vitro. Allele origin: not applicable. Functional consequence: retained intron. Not counted in ClinVar's aggregate classification.